The following is an entry in ClinVar:

ClinVar aggregate classification (germline): Uncertain significance (1 of 4 stars; one submission).

Conditions:
Hypertrophic cardiomyopathy. Also called: HYPERTROPHIC MYOCARDIOPATHY. Identifiers: Orphanet 217569, MedGen C0007194, MeSH D002312, MONDO:0005045, HP:0001639.

Submission:

Labcorp Genetics (formerly Invitae), Labcorp
Classification: Uncertain significance for Hypertrophic cardiomyopathy. Last evaluated: 2022-01-03. Review status: criteria provided, single submitter. Criteria: Invitae Variant Classification Sherloc (09022015). Collection method: clinical testing. Allele origin: germline.
Comment: This missense change has been observed in individual(s) with clinical features of MYH7-related conditions (PMID: 32833721). In summary, the available evidence is currently insufficient to determine the role of this variant in disease. Therefore, it has been classified as a Variant of Uncertain Significance. Algorithms developed to predict the effect of missense changes on protein structure and function are either unavailable or do not agree on the potential impact of this missense change (SIFT: "Deleterious"; PolyPhen-2: "Probably Damaging"; Align-GVGD: "Class C0"). This variant is not present in population databases (gnomAD no frequency). This sequence change replaces alanine, which is neutral and non-polar, with proline, which is neutral and non-polar, at codon 1438 of the MYH7 protein (p.Ala1438Pro).

Literature cited by the submitters: PubMed 32833721.

NM_000257.4(MYH7):c.4312G>C (p.Ala1438Pro)

Genes: MHRT (myosin heavy chain associated RNA transcript; plus strand), MYH7 (myosin heavy chain 7; minus strand). Cytogenetic location: 14q11.2.
Variant type: single nucleotide variant.
Coding change: c.4312G>C on transcript NM_000257.4 (MANE Select); coding-DNA position 4312, G replaced by C.
Protein change: p.Ala1438Pro; replaces alanine 1438 with proline.
Molecular consequence: missense variant. On other transcripts: non-coding transcript variant (1).
Genome position (GRCh38, 1-based): chr14:23,417,544, C>G on the plus strand (G>C on the coding strand, the complement: MYH7 is on the minus strand). VCF-style: chr14-23417544-C-G. GRCh37 (hg19) VCF-style: chr14-23886753-C-G.
Other names: c.4312G>C, p.Ala1438Pro (NM_001407004.1); short protein forms A1438P.
Identifiers: ClinVar variation 2060979 (VCV002060979.4), dbSNP rs2502251561, ClinGen allele CA389040132.
Genomic context (GRCh38, chr14:23,417,544, plus strand): 5'-GCCCCCACCCAGGGCCCACCTTGTCGAAGTTCCTCTGCTTCTTGTCCAGGGCTGCAGCAG[C>G]AGCATTGGAGCGCTCTACGTCCACCATCAAGTCCTCGATCTCATTCTGTAGCCGGTGCTT-3'
Protein context (NP_000248.2, residues 1428-1448): LMVDVERSNA[Ala1438Pro]AAALDKKQRN